The following is an entry in ClinVar:

ClinVar aggregate classification (germline): Uncertain significance (1 of 4 stars; one submission).

Conditions:
Hereditary pancreatitis (PCTT). Also called: Hereditary chronic pancreatitis; PRSS1-Related Hereditary Pancreatitis. Identifiers: Orphanet 676, MedGen C0238339, MONDO:0008185, OMIM 167800.

Allele frequency attached by ClinVar (database versions not stated): gnomAD exomes below 0.00001; ExAC 0.00001; ESP Exome Variant Server 0.00008.
gnomAD v4.1: 1 of 1,614,122 alleles (0.000062%); highest among the groups gnomAD compares: Non-Finnish European, 0.000085%; no homozygotes.

Submission:

Ambry Genetics
Classification: Uncertain significance for Hereditary pancreatitis. Last evaluated: 2022-12-01. Review status: criteria provided, single submitter. Criteria: Ambry Variant Classification Scheme 2023. Collection method: clinical testing. Allele origin: germline.
Comment: The p.G87E variant (also known as c.260G>A), located in coding exon 4 of the CTRC gene, results from a G to A substitution at nucleotide position 260. The glycine at codon 87 is replaced by glutamic acid, an amino acid with similar properties. This amino acid position is conserved. In addition, this alteration is predicted to be tolerated by in silico analysis. Since supporting evidence is limited at this time, the clinical significance of this alteration remains unclear.

NM_007272.3(CTRC):c.260G>A (p.Gly87Glu)

Gene: CTRC (chymotrypsin C; plus strand). Cytogenetic location: 1p36.21.
Variant type: single nucleotide variant.
Coding change: c.260G>A on transcript NM_007272.3 (MANE Select); coding-DNA position 260, G replaced by A.
Protein change: p.Gly87Glu; replaces glycine 87 with glutamic acid.
Molecular consequence: missense variant.
Genome position (GRCh38, 1-based): chr1:15,442,476, G>A. VCF-style: chr1-15442476-G-A. GRCh37 (hg19) VCF-style: chr1-15768972-G-A.
Other names: short protein forms G87E.
Identifiers: ClinVar variation 2449710 (VCV002449710.2), dbSNP rs371766512, ClinGen allele CA613300.